The following is an entry in ClinVar:

ClinVar aggregate classification (germline): Pathogenic. Review status: criteria provided, single submitter (1 of 4 stars). 3 submissions from 3 submitters: Pathogenic (1). 2 of the submissions do not count toward it. Last evaluated 2025-06-22.

Conditions:
Transcobalamin II deficiency (TCN2D). Also called: TC II DEFICIENCY; TCN2 DEFICIENCY; Transcolabamin II deficiency. Identifiers: Orphanet 859, MedGen C0342701, MONDO:0010149, OMIM 275350.

Submissions (3):

Labcorp Genetics (formerly Invitae), Labcorp
Classification: Pathogenic for Transcobalamin II deficiency. Last evaluated: 2025-06-22. Review status: criteria provided, single submitter. Criteria: Invitae Variant Classification Sherloc (09022015). Collection method: clinical testing. Allele origin: germline.
Comment: This sequence change creates a premature translational stop signal (p.Cys309Trpfs*50) in the TCN2 gene. It is expected to result in an absent or disrupted protein product. Loss-of-function variants in TCN2 are known to be pathogenic (PMID: 7980584, 20352340). This variant is present in population databases (rs796064506, gnomAD 0.007%). This premature translational stop signal has been observed in individual(s) with suspected primary immunodeficiency and/or transcobalamin II deficiency (PMID: 7849710, 32888943). ClinVar contains an entry for this variant (Variation ID: 96). For these reasons, this variant has been classified as Pathogenic.

OMIM
Classification: Pathogenic for TRANSCOBALAMIN II DEFICIENCY. Last evaluated: 2009-06-01. Review status: no assertion criteria provided. Collection method: literature only. Allele origin: germline. Not counted in ClinVar's aggregate classification.

Inserm U 954, Faculté de Médecine de Nancy
No classification provided. Condition: Transcobalamin II deficiency. Review status: no classification provided. Collection method: not provided. Allele origin: unknown. Not counted in ClinVar's aggregate classification.

Literature cited by the submitters: PubMed 7980584 (cited by Labcorp Genetics (formerly Invitae), Labcorp); PubMed 20352340 (cited by Labcorp Genetics (formerly Invitae), Labcorp); PubMed 7849710 (cited by Labcorp Genetics (formerly Invitae), Labcorp and OMIM); PubMed 32888943 (cited by Labcorp Genetics (formerly Invitae), Labcorp); PubMed 19373259 (cited by OMIM).

NM_000355.4(TCN2):c.927_930del (p.Cys309fs)

Gene: TCN2 (transcobalamin 2; plus strand). Cytogenetic location: 22q12.2.
Variant type: Deletion.
Coding change: c.927_930del on transcript NM_000355.4 (MANE Select); coding-DNA positions 927 to 930, 4 bases deleted (TCTG; older notation c.927_930delTCTG).
Protein change: p.Cys309fs; shifts the reading frame from cysteine 309.
Molecular consequence: frameshift variant.
Genome position (GRCh38, 1-based): chr22:30,615,774-30,615,777, TCTG deleted; deleting any 4 consecutive bases within chr22:30,615,771-30,615,777 gives the same sequence; the c. name uses the placement nearest the transcript's 3' end. VCF-style (leftmost placement, unchanged base first): chr22-30615770-ACTGT-A. GRCh37 (hg19) VCF-style: chr22-31011757-ACTGT-A.
Other names: c.846_849del, p.Cys282fs (NM_001184726.2); short protein forms C282fs, C309fs.
Identifiers: ClinVar variation 96 (VCV000000096.7), dbSNP rs1157135425, ClinGen allele CA204381.